The following is an entry in ClinVar:

ClinVar aggregate classification (germline): Likely benign. Review status: criteria provided, multiple submitters, no conflicts (2 of 4 stars). 2 submissions from 2 submitters: Likely benign (2). Last evaluated 2024-09-23.

Conditions:
Malignant hyperthermia, susceptibility to, 1 (MHS1). Also called: Malignant hyperthermia suceptibility 1; Anesthesia related hyperthermia; Malignant hyperpyrexia; Fulminating hyperpyrexia; Pharmacogenic myopathy; RYR1-Related Malignant Hyperthermia Susceptibility. Identifiers: Orphanet 423, MedGen C2930980, MONDO:0007783, OMIM 145600.
RYR1-related disorder. Also called: RYR1-related disorders; RYR1-related condition. Identifiers: MedGen CN239331.

gnomAD v4.1: 4 of 1,613,378 alleles (0.00025%); highest among the groups gnomAD compares: Non-Finnish European, 0.00034%; no homozygotes.

Submissions (2):

All of Us Research Program, National Institutes of Health
Classification: Likely benign for Malignant hyperthermia, susceptibility to, 1. Last evaluated: 2024-09-23. Review status: criteria provided, single submitter. Criteria: ACMG Guidelines, 2015. Collection method: clinical testing. Allele origin: germline. Inheritance: Autosomal dominant inheritance. Observed: 3 variant alleles, 3 heterozygotes.
Comment: This study involves interpretation of variants in research participants for the purpose of population health screening. Participant phenotype was not available at the time of variant classification. Additional details can be found in publication PMID: 35346344, PMCID: PMC8962531

Labcorp Genetics (formerly Invitae), Labcorp
Classification: Likely benign for RYR1-related disorder. Last evaluated: 2023-09-30. Review status: criteria provided, single submitter. Criteria: Invitae Variant Classification Sherloc (09022015). Collection method: clinical testing. Allele origin: germline.

NM_000540.3(RYR1):c.1680G>A (p.Leu560=)

Gene: RYR1 (ryanodine receptor 1; plus strand). Cytogenetic location: 19q13.2.
Variant type: single nucleotide variant.
Coding change: c.1680G>A on transcript NM_000540.3 (MANE Select); coding-DNA position 1680, G replaced by A.
Protein change: p.Leu560=; no amino-acid change (leucine 560 retained).
Molecular consequence: synonymous variant.
Genome position (GRCh38, 1-based): chr19:38,455,640, G>A. VCF-style: chr19-38455640-G-A. GRCh37 (hg19) VCF-style: chr19-38946280-G-A.
Other names: c.1680G>A, p.Leu560= (NM_001042723.2).
Identifiers: ClinVar variation 2913570 (VCV002913570.4), dbSNP rs2514027803, ClinGen allele CA507242968.